The following is an entry in ClinVar:

NM_015426.5(POC1A):c.571A>G (p.Thr191Ala)

Gene: POC1A (POC1 centriolar protein A; minus strand). Cytogenetic location: 3p21.2.
Variant type: single nucleotide variant.
Coding change: c.571A>G on transcript NM_015426.5 (MANE Select); coding-DNA position 571, A replaced by G.
Protein change: p.Thr191Ala; replaces threonine 191 with alanine.
Molecular consequence: missense variant.
Genome position (GRCh38, 1-based): chr3:52,145,954, T>C on the plus strand (A>G on the coding strand, the complement: POC1A is on the minus strand). VCF-style: chr3-52145954-T-C. GRCh37 (hg19) VCF-style: chr3-52179970-T-C.
Other names: c.571A>G, p.Thr191Ala (NM_001161580.2); c.457A>G, p.Thr153Ala (NM_001161581.2); short protein forms T153A, T191A.
Identifiers: ClinVar variation 1423922 (VCV001423922.5), dbSNP rs148568140, ClinGen allele CA2429573.

ClinVar aggregate classification (germline): Uncertain significance (1 of 4 stars; one submission).

Allele frequency attached by ClinVar (database versions not stated): gnomAD exomes 0.00002 and 0.00006; ExAC 0.00007; gnomAD 0.00029 and 0.00030; TOPMed 0.00030; 1000 Genomes Project 0.00040; 1000 Genomes Project 30x 0.00047.
gnomAD v4.1: 79 of 1,607,426 alleles (0.0049%); highest among the groups gnomAD compares: African/African-American, 0.093%; no homozygotes.

Submission:

Labcorp Genetics (formerly Invitae), Labcorp
Classification: Uncertain significance. Last evaluated: 2022-02-24. Review status: criteria provided, single submitter. Criteria: Invitae Variant Classification Sherloc (09022015). Collection method: clinical testing. Allele origin: germline.
Comment: This sequence change replaces threonine, which is neutral and polar, with alanine, which is neutral and non-polar, at codon 191 of the POC1A protein (p.Thr191Ala). This variant is present in population databases (rs148568140, gnomAD 0.09%). This variant has not been reported in the literature in individuals affected with POC1A-related conditions. Algorithms developed to predict the effect of missense changes on protein structure and function are either unavailable or do not agree on the potential impact of this missense change (SIFT: "Not Available"; PolyPhen-2: "Benign"; Align-GVGD: "Not Available"). Algorithms developed to predict the effect of sequence changes on RNA splicing suggest that this variant may disrupt the consensus splice site. In summary, the available evidence is currently insufficient to determine the role of this variant in disease. Therefore, it has been classified as a Variant of Uncertain Significance.